The following is an entry in ClinVar:

ClinVar aggregate classification (germline): Uncertain significance. Review status: criteria provided, multiple submitters, no conflicts (2 of 4 stars). 2 submissions from 2 submitters: Uncertain significance (2). Last evaluated 2021-12-26.

Conditions:
Hereditary cancer-predisposing syndrome. Also called: Hereditary Cancer Syndrome; Neoplastic Syndromes, Hereditary; Tumor predisposition; Hereditary neoplastic syndrome. Identifiers: Orphanet 140162, MedGen C0027672, MeSH D009386, MONDO:0015356.
Familial cancer of breast. Also called: BREAST CANCER, FAMILIAL; Hereditary breast cancer; hereditary breast carcinoma. Identifiers: Orphanet 227535, MedGen C0346153, MONDO:0016419, OMIM 114480. Disease mechanism: loss of function.

Submissions (2):

Labcorp Genetics (formerly Invitae), Labcorp
Classification: Uncertain significance for Familial cancer of breast. Last evaluated: 2021-12-26. Review status: criteria provided, single submitter. Criteria: Invitae Variant Classification Sherloc (09022015). Collection method: clinical testing. Allele origin: germline.
Comment: In summary, the available evidence is currently insufficient to determine the role of this variant in disease. Therefore, it has been classified as a Variant of Uncertain Significance. Algorithms developed to predict the effect of missense changes on protein structure and function (SIFT, PolyPhen-2, Align-GVGD) all suggest that this variant is likely to be tolerated. ClinVar contains an entry for this variant (Variation ID: 480256). This variant has not been reported in the literature in individuals affected with PALB2-related conditions. This variant is not present in population databases (gnomAD no frequency). This sequence change replaces serine, which is neutral and polar, with glycine, which is neutral and non-polar, at codon 691 of the PALB2 protein (p.Ser691Gly).

Ambry Genetics
Classification: Uncertain significance for Hereditary cancer-predisposing syndrome. Last evaluated: 2017-02-08. Review status: criteria provided, single submitter. Criteria: Ambry Variant Classification Scheme 2023. Collection method: clinical testing. Allele origin: germline.
Comment: The p.S691G variant (also known as c.2071A>G), located in coding exon 5 of the PALB2 gene, results from an A to G substitution at nucleotide position 2071. The serine at codon 691 is replaced by glycine, an amino acid with similar properties. This amino acid position is not well conserved in available vertebrate species. In addition, this alteration is predicted to be tolerated by in silico analysis. Since supporting evidence is limited at this time, the clinical significance of this alteration remains unclear.

NM_024675.4(PALB2):c.2071A>G (p.Ser691Gly)

Gene: PALB2 (partner and localizer of BRCA2; minus strand). Cytogenetic location: 16p12.2.
Variant type: single nucleotide variant.
Coding change: c.2071A>G on transcript NM_024675.4 (MANE Select); coding-DNA position 2071, A replaced by G.
Protein change: p.Ser691Gly; replaces serine 691 with glycine.
Molecular consequence: missense variant.
Genome position (GRCh38, 1-based): chr16:23,630,083, T>C on the plus strand (A>G on the coding strand, the complement: PALB2 is on the minus strand). VCF-style: chr16-23630083-T-C. GRCh37 (hg19) VCF-style: chr16-23641404-T-C.
Other names: short protein forms S691G.
Identifiers: ClinVar variation 480256 (VCV000480256.10), dbSNP rs1555460504, ClinGen allele CA395126636.